The following is an entry in ClinVar:

ClinVar aggregate classification (germline): Pathogenic/Likely pathogenic. Review status: criteria provided, multiple submitters, no conflicts (2 of 4 stars). 2 submissions from 2 submitters: Pathogenic (1); Likely pathogenic (1). Last evaluated 2025-07-07.

Conditions:
BCS1L-related disorder. Also called: BCS1L-related disorders; BCS1L-related condition. Identifiers: MedGen CN239240.
Pili torti-deafness syndrome (BJS). Also called: Bjornstad syndrome; PILI TORTI AND NERVE DEAFNESS. Identifiers: Orphanet 123, MedGen C0266006, MONDO:0009872, OMIM 262000.

Allele frequency attached by ClinVar (database versions not stated): TOPMed below 0.00001.

Submissions (2):

Myriad Genetics, Inc.
Classification: Pathogenic for BCS1L-related disorder. Last evaluated: 2025-07-07. Review status: criteria provided, single submitter. Criteria: Myriad Autosomal Dominant, Autosomal Recessive and X-Linked Classification Criteria (2023). Collection method: clinical testing. Allele origin: unknown.
Comment: NM_004328.4(BCS1L):c.1026dupA(R343Tfs*36) is a frameshift variant classified as pathogenic in the context of BCS1L-related disorders. R343Tfs*36 has not been observed in cases with relevant disease. Relevant functional assessments of this variant are not available in the literature. R343Tfs*36 has not been observed in referenced population frequency databases. In summary, NM_004328.4(BCS1L):c.1026dupA(R343Tfs*36) is a frameshift variant in a gene where loss of function is a known mechanism of disease and is predicted to disrupt protein function. Please note: this variant was assessed in the context of healthy population screening.

Baylor Genetics
Classification: Likely pathogenic for Pili torti-deafness syndrome. Last evaluated: 2023-05-07. Review status: criteria provided, single submitter. Criteria: ACMG Guidelines, 2015. Collection method: clinical testing. Allele origin: unknown.

NM_001079866.2(BCS1L):c.1026dup (p.Arg343fs)

Gene: BCS1L (BCS1 ubiquinol-cytochrome c reductase complex chaperone; plus strand). Cytogenetic location: 2q35.
Variant type: Duplication.
Coding change: c.1026dup on transcript NM_001079866.2 (MANE Select); coding-DNA position 1026, one base duplicated (A; older notation c.1026dupA).
Protein change: p.Arg343fs; shifts the reading frame from arginine 343.
Molecular consequence: frameshift variant. On other transcripts: non-coding transcript variant (1).
Genome position (GRCh38, 1-based): chr2:218,663,152, A duplicated. VCF-style (leftmost placement, unchanged base first): chr2-218663151-T-TA. GRCh37 (hg19) VCF-style: chr2-219527874-T-TA.
Other names: c.1026dup, p.Arg343fs (NM_001257342.2, NM_001257343.2, NM_001257344.2 and 10 more transcripts); c.666dup, p.Arg223fs (NM_001318836.2, NM_001371451.1); c.525dup, p.Arg176fs (NM_001371452.1, NM_001371453.1, NM_001371454.1 and 3 more transcripts); short protein forms R176fs, R223fs, R343fs.
Identifiers: ClinVar variation 2680153 (VCV002680153.2), dbSNP rs1939677064, ClinGen allele CA1328862919.
Genomic context (GRCh38, chr2:218,663,151, plus strand): 5'-CTGTTGGGTGCTAGTGTGACCTGCTTTCCCTGTCTTCTCTCAGGCTGGACCCTGCCCTGA[T>TA]ACGCCCGGGGCGAGTGGACCTGAAGGAGTACGTGGGCTACTGCTCACACTGGCAGCTGAC-3'